The following is an entry in ClinVar:

ClinVar aggregate classification (germline): Uncertain significance (1 of 4 stars; one submission).

Conditions:
Menke-Hennekam syndrome 2 (MKHK2). Identifiers: MedGen C5193035, MONDO:0020769, OMIM 618333.

Allele frequency attached by ClinVar (database versions not stated): gnomAD exomes below 0.00001.
gnomAD v4.1: 2 of 1,613,700 alleles (0.00012%); highest among the groups gnomAD compares: Non-Finnish European, 0.00017%; no homozygotes.

Submission:

Centre for Mendelian Genomics, University Medical Centre Ljubljana
Classification: Uncertain significance for Menke-Hennekam syndrome 2. Last evaluated: 2020-02-20. Review status: criteria provided, single submitter. Criteria: ACMG Guidelines, 2015. Collection method: clinical testing. Allele origin: unknown. Affected: yes.
Comment: This variant was classified as: Uncertain significance. The available evidence on this variant's pathogenicity is insufficient or conflicting. The following ACMG criteria were applied in classifying this variant: PM2,BP4.

NM_001429.4(EP300):c.5061+4G>A

Gene: EP300 (E1A binding protein p300; plus strand). Cytogenetic location: 22q13.2.
Variant type: single nucleotide variant.
Coding change: c.5061+4G>A on transcript NM_001429.4 (MANE Select); 4 bases into the intron after coding-DNA position 5061, G replaced by A.
Molecular consequence: intron variant.
Genome position (GRCh38, 1-based): chr22:41,176,532, G>A. VCF-style: chr22-41176532-G-A. GRCh37 (hg19) VCF-style: chr22-41572536-G-A.
Other names: c.4983+4G>A (NM_001362843.2).
Identifiers: ClinVar variation 930851 (VCV000930851.3), dbSNP rs2059201364, ClinGen allele CA1139667121.
Genomic context (GRCh38, chr22:41,176,532, plus strand): 5'-ACCTGCAATGAATGCAAGCACCATGTGGAGACACGCTGGCACTGTACTGTCTGTGAGGTA[G>A]GCACCGGGTTGTGGGAAGGAGGAGGTGAGCTCCGCAGGGTTGTTCTGAGGGGCCATGCAG-3'